The following is an entry in ClinVar:

NM_001377.3(DYNC2H1):c.8874del (p.His2958fs)

Gene: DYNC2H1 (dynein cytoplasmic 2 heavy chain 1; plus strand). Cytogenetic location: 11q22.3.
Variant type: Deletion.
Coding change: c.8874del on transcript NM_001377.3 (MANE Select); coding-DNA position 8874, one base deleted (C; older notation c.8874delC).
Protein change: p.His2958fs; shifts the reading frame from histidine 2958.
Molecular consequence: frameshift variant.
Genome position (GRCh38, 1-based): chr11:103,219,956, C deleted. VCF-style (leftmost placement, unchanged base first): chr11-103219955-AC-A. GRCh37 (hg19) VCF-style: chr11-103090684-AC-A.
Other names: c.8874del, p.His2958fs (NM_001080463.2); short protein forms H2958fs.
Identifiers: ClinVar variation 5016127 (VCV005016127.1).

ClinVar aggregate classification (germline): Pathogenic (1 of 4 stars; one submission).

Conditions:
Asphyxiating thoracic dystrophy 3. Also called: SHORT-RIB THORACIC DYSPLASIA 3 WITH OR WITHOUT POLYDACTYLY; POLYDACTYLY WITH NEONATAL CHONDRODYSTROPHY, TYPE I; SHORT-RIB THORACIC DYSPLASIA 3/6 WITH POLYDACTYLY, DIGENIC; Short rib polydactyly syndrome 2B; Saldino-Noonan Syndrome. Identifiers: Orphanet 474, Orphanet 93269, Orphanet 93270, Orphanet 93271, MedGen C0036069, MONDO:0013127, OMIM 613091.

Submission:

Myriad Genetics, Inc.
Classification: Pathogenic for Asphyxiating thoracic dystrophy 3. Last evaluated: 2026-07-14. Review status: criteria provided, single submitter. Criteria: Myriad Autosomal Dominant, Autosomal Recessive and X-Linked Classification Criteria (2023). Collection method: clinical testing. Allele origin: unknown.
Comment: NM_001377.2(DYNC2H1):c.8874delC(H2958Qfs*3) is expected to be pathogenic in the context of DYNC2H1-related disorders. This variant is predicted to lead to an abnormal or absent protein product due to the creation of a premature termination codon in DYNC2H1, a gene where loss-of-function variants are known to be pathogenic. Please note: this variant was assessed in the context of healthy population screening.